The following is an entry in ClinVar:

NM_003560.4(PLA2G6):c.2341G>A (p.Ala781Thr)

Gene: PLA2G6 (phospholipase A2 group VI; minus strand). Cytogenetic location: 22q13.1.
Variant type: single nucleotide variant.
Coding change: c.2341G>A on transcript NM_003560.4 (MANE Select); coding-DNA position 2341, G replaced by A.
Protein change: p.Ala781Thr; replaces alanine 781 with threonine.
Molecular consequence: missense variant.
Genome position (GRCh38, 1-based): chr22:38,112,241, C>T on the plus strand (G>A on the coding strand, the complement: PLA2G6 is on the minus strand). VCF-style: chr22-38112241-C-T. GRCh37 (hg19) VCF-style: chr22-38508248-C-T.
Other names: NM_001004426.3:c.2179G>A; c.2179G>A, p.Ala727Thr (NM_001004426.3, NM_001199562.3, NM_001349865.2 and 1 more transcripts); c.2341G>A, p.Ala781Thr (NM_001349864.2); c.1807G>A, p.Ala603Thr (NM_001349867.2); c.1663G>A, p.Ala555Thr (NM_001349868.2); c.1645G>A, p.Ala549Thr (NM_001349869.2); short protein forms A555T, A603T, A549T, A727T, A781T.
Identifiers: ClinVar variation 1459239 (VCV001459239.9), dbSNP rs139093920, ClinGen allele CA10230535.

ClinVar aggregate classification (germline): Conflicting classifications of pathogenicity. Review status: criteria provided, conflicting classifications (1 of 4 stars). 3 submissions from 3 submitters: Pathogenic (1); Likely pathogenic (1); Uncertain significance (1). Last evaluated 2024-04-01.

Conditions:
Infantile neuroaxonal dystrophy (NBIA2A). Also called: SEITELBERGER DISEASE; NEURODEGENERATION WITH BRAIN IRON ACCUMULATION 2A; Infantile neuroaxonal dystrophy 1. Identifiers: Orphanet 35069, MedGen C0270724, MONDO:0024457, OMIM 256600.
PLA2G6-associated neurodegeneration (PLAN). Also called: phospholipase A2-associated neurodegeneration. Identifiers: Orphanet 329303, MedGen CN204472, MONDO:0017998.
Neurodegeneration with brain iron accumulation 2B. Also called: NEUROAXONAL DYSTROPHY, ATYPICAL; NEURODEGENERATION WITH BRAIN IRON ACCUMULATION, PLA2G6-RELATED; aNAD; atypical Neuroaxonal Dystrophy (aNAD). Identifiers: Orphanet 35069, MedGen C1857747, MONDO:0012444, OMIM 610217.
Autosomal recessive Parkinson disease 14. Also called: PARKINSON DISEASE 14; DYSTONIA-PARKINSONISM, ADULT-ONSET. Identifiers: Orphanet 199351, MedGen C2751842, MONDO:0013060, OMIM 612953.

Allele frequency attached by ClinVar (database versions not stated): gnomAD 0.00002 and 0.00003; ESP Exome Variant Server 0.00008; ExAC 0.00001; gnomAD exomes 0.00001; TOPMed 0.00002.
gnomAD v4.1: 21 of 1,613,136 alleles (0.0013%); highest among the groups gnomAD compares: African/African-American, 0.004%; no homozygotes.

Submissions (3):

Fulgent Genetics
Classification: Likely pathogenic for Infantile neuroaxonal dystrophy; Neurodegeneration with brain iron accumulation 2B; Autosomal recessive Parkinson disease 14. Last evaluated: 2024-04-01. Review status: criteria provided, single submitter. Criteria: ACMG Guidelines, 2015. Collection method: clinical testing. Allele origin: germline.

Labcorp Genetics (formerly Invitae), Labcorp
Classification: Pathogenic for Infantile neuroaxonal dystrophy. Last evaluated: 2023-05-24. Review status: criteria provided, single submitter. Criteria: Invitae Variant Classification Sherloc (09022015). Collection method: clinical testing. Allele origin: germline.
Comment: This sequence change replaces alanine, which is neutral and non-polar, with threonine, which is neutral and polar, at codon 781 of the PLA2G6 protein (p.Ala781Thr). This variant is present in population databases (rs139093920, gnomAD 0.005%). This missense change has been observed in individual(s) with early onset Parkinson disease (PMID: 28549837, 30537300). In at least one individual the data is consistent with being in trans (on the opposite chromosome) from a pathogenic variant. ClinVar contains an entry for this variant (Variation ID: 1459239). Advanced modeling of protein sequence and biophysical properties (such as structural, functional, and spatial information, amino acid conservation, physicochemical variation, residue mobility, and thermodynamic stability) performed at Invitae indicates that this missense variant is not expected to disrupt PLA2G6 protein function. For these reasons, this variant has been classified as Pathogenic.

Broad Center for Mendelian Genomics, Broad Institute of MIT and Harvard
Classification: Uncertain significance for PLA2G6-associated neurodegeneration. Last evaluated: 2023-01-24. Review status: criteria provided, single submitter. Criteria: ACMG Guidelines, 2015. Collection method: curation. Allele origin: germline. Inheritance: Autosomal recessive inheritance.
Comment: The p.Ala781Thr variant in PLA2G6 has been reported in 2 individuals with PLA2G6-associated neurodegeneration (PMID: 28549837, 30537300), and has been identified in 0.005% (1/19906) of East Asian chromosomes by the Genome Aggregation Database (gnomAD; dbSNP ID: rs139093920). Although this variant has been seen in the general population in a heterozygous state, its frequency is low enough to be consistent with a recessive carrier frequency. This variant has also been reported in ClinVar (Variation ID#: 1459239) and has been interpreted as pathogenic by Invitae. Of the 2 affected individuals, 1 was a compound heterozygote that carried a reported pathogenic variant with unknown phase, which increases the likelihood that the p.Ala781Thr variant is pathogenic (VariationID: 6195; PMID: 30537300). Computational prediction tools and conservation analyses do not provide strong support for or against an impact to the protein. In summary, the clinical significance of the p.Ala781Thr variant is uncertain. ACMG/AMP Criteria applied: PM2_supporting, PM3_supporting (Richards 2015).

Literature cited by the submitters: PubMed 28549837 (cited by Labcorp Genetics (formerly Invitae), Labcorp); PubMed 30537300 (cited by Labcorp Genetics (formerly Invitae), Labcorp).